The following is an entry in ClinVar:

ClinVar aggregate classification (germline): Uncertain significance (1 of 4 stars; one submission).

Conditions:
Ellis-van Creveld syndrome (EVC). Also called: Chondroectodermal dysplasia; EVC-Related Ellis-van Creveld Syndrome; EVC2-Related Ellis-van Creveld Syndrome; MESOECTODERMAL DYSPLASIA. Identifiers: Orphanet 289, MedGen C0013903, MONDO:0009162, OMIM 225500.
Curry-Hall syndrome (WAD). Also called: WEYERS ACRODENTAL DYSOSTOSIS. Identifiers: Orphanet 952, MedGen C0457013, MONDO:0008673, OMIM 193530.

Submission:

Labcorp Genetics (formerly Invitae), Labcorp
Classification: Uncertain significance for Curry-Hall syndrome; Ellis-van Creveld syndrome. Last evaluated: 2022-06-13. Review status: criteria provided, single submitter. Criteria: Invitae Variant Classification Sherloc (09022015). Collection method: clinical testing. Allele origin: germline.
Comment: This sequence change replaces threonine, which is neutral and polar, with serine, which is neutral and polar, at codon 658 of the EVC protein (p.Thr658Ser). In summary, the available evidence is currently insufficient to determine the role of this variant in disease. Therefore, it has been classified as a Variant of Uncertain Significance. Algorithms developed to predict the effect of missense changes on protein structure and function are either unavailable or do not agree on the potential impact of this missense change (SIFT: "Tolerated"; PolyPhen-2: "Possibly Damaging"; Align-GVGD: "Class C0"). This variant has not been reported in the literature in individuals affected with EVC-related conditions. This variant is not present in population databases (gnomAD no frequency).

NM_153717.3(EVC):c.1972A>T (p.Thr658Ser)

Gene: EVC (EvC ciliary complex subunit 1; plus strand). Cytogenetic location: 4p16.2.
Variant type: single nucleotide variant.
Coding change: c.1972A>T on transcript NM_153717.3 (MANE Select); coding-DNA position 1972, A replaced by T.
Protein change: p.Thr658Ser; replaces threonine 658 with serine.
Molecular consequence: missense variant.
Genome position (GRCh38, 1-based): chr4:5,797,107, A>T. VCF-style: chr4-5797107-A-T. GRCh37 (hg19) VCF-style: chr4-5798834-A-T.
Other names: c.1972A>T, p.Thr658Ser (NM_001306090.2); short protein forms T658S.
Identifiers: ClinVar variation 1382080 (VCV001382080.7), dbSNP rs1577616840, ClinGen allele CA356143847.
Genomic context (GRCh38, chr4:5,797,107, plus strand): 5'-CATGACCTGCTGTTGCGCTCAGCCCTCCGGAGGCTGGCACTCCGCGGCAACGCCCTGGCC[A>T]CCCTGACGCAGATGCGGCTATCGGGGAAGAAGCACCTCCTGCAGGAGCTGCGGGAACAGC-3'
Protein context (NP_714928.1, residues 648-668): RLALRGNALA[Thr658Ser]LTQMRLSGKK